The following is an entry in ClinVar:

ClinVar aggregate classification (germline): Conflicting classifications of pathogenicity. Review status: criteria provided, conflicting classifications (1 of 4 stars). 6 submissions from 6 submitters: Uncertain significance (1); Likely benign (5). Last evaluated 2026-04-02.

Conditions:
Dilated cardiomyopathy 1DD (CMD1DD). Identifiers: Orphanet 154, MedGen C2750995, MONDO:0013168, OMIM 613172.
Cardiovascular phenotype. Identifiers: MedGen CN230736.

Allele frequency attached by ClinVar (database versions not stated): gnomAD exomes 0.00003 and 0.00002; TOPMed 0.00013; ExAC 0.00005; gnomAD 0.00019 and 0.00020.
gnomAD v4.1: 55 of 1,551,698 alleles (0.0035%); highest among the groups gnomAD compares: African/African-American, 0.052%; no homozygotes.

Submissions (6):

GeneDx
Classification: Uncertain significance. Last evaluated: 2026-04-02. Review status: criteria provided, single submitter. Criteria: GeneDx Variant Classification Process June 2021. Collection method: clinical testing. Allele origin: germline.
Comment: In silico analysis suggests that this missense variant does not alter protein structure/function; This variant is associated with the following publications: (PMID: 36367695, 38813989)

Labcorp Genetics (formerly Invitae), Labcorp
Classification: Likely benign for Dilated cardiomyopathy 1DD. Last evaluated: 2026-01-28. Review status: criteria provided, single submitter. Criteria: Invitae Variant Classification Sherloc (09022015). Collection method: clinical testing. Allele origin: germline.

Women's Health and Genetics/Laboratory Corporation of America, LabCorp
Classification: Likely benign. Last evaluated: 2025-09-15. Review status: criteria provided, single submitter. Criteria: LabCorp Variant Classification Summary - May 2015. Collection method: clinical testing. Allele origin: germline.
Comment: Variant summary: RBM20 c.773C>T (p.Ser258Leu) results in a non-conservative amino acid change in the encoded protein sequence. Algorithms developed to predict the effect of missense changes on protein structure and function are either unavailable or do not agree on the potential impact of this missense change. The variant allele was found at a frequency of 3.5e-05 in 1551698 control chromosomes, predominantly at a frequency of 0.00052 within the African or African-American subpopulation in the gnomAD database. The observed variant frequency within African or African-American control individuals in the gnomAD database exceeds the estimated maximal expected allele frequency for disease-causing variants in RBM20. c.773C>T has been observed in at least one individual affected with Dilated Cardiomyopathy and in a case of unexplained stillbirth, but both without strong evidence for causality (e.g. Lennermann_2022, Merc_2024). These reports do not provide unequivocal conclusions about association of the variant with Dilated Cardiomyopathy. To our knowledge, no experimental evidence demonstrating an impact on protein function has been reported. The following publications have been ascertained in the context of this evaluation (PMID: 36367695, 38813989). ClinVar contains an entry for this variant (Variation ID: 411654). Based on the evidence outlined above, the variant was classified as likely benign.

Ambry Genetics
Classification: Likely benign for Cardiovascular phenotype. Last evaluated: 2023-03-30. Review status: criteria provided, single submitter. Criteria: Ambry Variant Classification Scheme 2023. Collection method: clinical testing. Allele origin: germline.

Fulgent Genetics
Classification: Likely benign for Dilated cardiomyopathy 1DD. Last evaluated: 2021-09-01. Review status: criteria provided, single submitter. Criteria: ACMG Guidelines, 2015. Collection method: clinical testing. Allele origin: unknown.

Laboratory for Molecular Medicine, Mass General Brigham Personalized Medicine
Classification: Likely benign. Last evaluated: 2018-07-19. Review status: criteria provided, single submitter. Criteria: LMM Criteria. Collection method: clinical testing. Allele origin: germline. Observed: 1 variant allele.
Comment: The p.Ser258Leu variant in RBM20 is classified as likley benign because it has b een identified in 0.08% (13/16348) of African chromosomes by the Genome Aggrega tion Database (gnomAD). Computational predicti on tools and conservation analysis suggest that the p.Ser836Phe variant may not impact the protein. ACMG/AMP Criteria applied: BS1, BP4.

Literature cited by the submitters: PubMed 38813989 (cited by Women's Health and Genetics/Laboratory Corporation of America, LabCorp); PubMed 36367695 (cited by Women's Health and Genetics/Laboratory Corporation of America, LabCorp); PubMed 26383259 (cited by Ambry Genetics); PubMed 29988065 (cited by Ambry Genetics); PubMed 30847666 (cited by Ambry Genetics); PubMed 31983221 (cited by Ambry Genetics).

NM_001134363.3(RBM20):c.773C>T (p.Ser258Leu)

Gene: RBM20 (RNA binding motif protein 20; plus strand). Cytogenetic location: 10q25.2.
Variant type: single nucleotide variant.
Coding change: c.773C>T on transcript NM_001134363.3 (MANE Select); coding-DNA position 773, C replaced by T.
Protein change: p.Ser258Leu; replaces serine 258 with leucine.
Molecular consequence: missense variant.
Genome position (GRCh38, 1-based): chr10:110,781,382, C>T. VCF-style: chr10-110781382-C-T. GRCh37 (hg19) VCF-style: chr10-112541140-C-T.
Other names: short protein forms S258L.
Identifiers: ClinVar variation 411654 (VCV000411654.22), dbSNP rs749285793, ClinGen allele CA5688531.